The following is an entry in ClinVar:

NM_000059.4(BRCA2):c.3457_3460del (p.Lys1153fs)

Gene: BRCA2 (BRCA2 DNA repair associated; plus strand). Cytogenetic location: 13q13.1.
Variant type: Deletion.
Coding change: c.3457_3460del on transcript NM_000059.4 (MANE Select); coding-DNA positions 3457 to 3460, 4 bases deleted (AAGA; older notation c.3457_3460delAAGA).
Protein change: p.Lys1153fs; shifts the reading frame from lysine 1153.
Molecular consequence: frameshift variant. On other transcripts: non-coding transcript variant (1), intron variant (2).
Genome position (GRCh38, 1-based): chr13:32,337,812-32,337,815, AAGA deleted; deleting any 4 consecutive bases within chr13:32,337,811-32,337,815 gives the same sequence; the c. name uses the placement nearest the transcript's 3' end. VCF-style (leftmost placement, unchanged base first): chr13-32337810-TAAAG-T. GRCh37 (hg19) VCF-style: chr13-32911947-TAAAG-T.
Other names: c.3457_3460del, p.Lys1153fs (NM_001406719.1, NM_001406720.1, NM_001432077.1); c.1909+4425_1909+4428del (NM_001406721.1); c.425-6746_425-6743del (NM_001406722.1); short protein forms K1153fs.
Identifiers: ClinVar variation 4750387 (VCV004750387.1).
Genomic context (GRCh38, chr13:32,337,810, plus strand): 5'-AACCAAGCTACATATTGCAGAAGAGTACATTTGAAGTGCCTGAAAACCAGATGACTATCT[TAAAG>T]ACCACTTCTGAGGAATGCAGAGATGCTGATCTTCATGTCATAATGAATGCCCCATCGATT-3'

ClinVar aggregate classification (germline): Pathogenic (1 of 4 stars; one submission).

Conditions:
Hereditary breast ovarian cancer syndrome. Also called: Hereditary breast and/or ovarian cancer syndrome; Breast and ovarian cancer; Hereditary breast and ovarian cancer syndrome; Hereditary breast and ovarian cancer syndrome (HBOC); BRCA1- and BRCA2-Associated Hereditary Breast and Ovarian Cancer; Hereditary breast and ovarian cancer. Identifiers: Orphanet 145, MedGen C0677776, MeSH D061325, MONDO:0003582. Disease mechanism: loss of function.

Submission:

Labcorp Genetics (formerly Invitae), Labcorp
Classification: Pathogenic for Hereditary breast ovarian cancer syndrome. Last evaluated: 2025-12-22. Review status: criteria provided, single submitter. Criteria: Invitae Variant Classification Sherloc (09022015). Collection method: clinical testing. Allele origin: germline.
Comment: This sequence change creates a premature translational stop signal (p.Lys1153Profs*14) in the BRCA2 gene. It is expected to result in an absent or disrupted protein product. Loss-of-function variants in BRCA2 are known to be pathogenic (PMID: 20104584). This variant is not present in population databases (gnomAD no frequency). This variant has not been reported in the literature in individuals affected with BRCA2-related conditions. For these reasons, this variant has been classified as Pathogenic.

Literature cited by the submitters: PubMed 20104584.